The following is an entry in ClinVar:

NM_007055.4(POLR3A):c.2786A>G (p.Lys929Arg)

Gene: POLR3A (RNA polymerase III subunit A; minus strand). Cytogenetic location: 10q22.3.
Variant type: single nucleotide variant.
Coding change: c.2786A>G on transcript NM_007055.4 (MANE Select); coding-DNA position 2786, A replaced by G.
Protein change: p.Lys929Arg; replaces lysine 929 with arginine.
Molecular consequence: missense variant.
Genome position (GRCh38, 1-based): chr10:77,993,198, T>C on the plus strand (A>G on the coding strand, the complement: POLR3A is on the minus strand). VCF-style: chr10-77993198-T-C. GRCh37 (hg19) VCF-style: chr10-79752956-T-C.
Other names: short protein forms K929R.
Identifiers: ClinVar variation 3774120 (VCV003774120.1).

ClinVar aggregate classification (germline): Uncertain significance (1 of 4 stars; one submission).

gnomAD v4.1: 10 of 1,612,268 alleles (0.00062%); highest among the groups gnomAD compares: Non-Finnish European, 0.00085%; no homozygotes.

Submission:

GeneDx
Classification: Uncertain significance. Last evaluated: 2024-09-19. Review status: criteria provided, single submitter. Criteria: GeneDx Variant Classification Process June 2021. Collection method: clinical testing. Allele origin: germline. Affected: yes.
Comment: Not observed at significant frequency in large population cohorts (gnomAD); In silico analysis indicates that this missense variant does not alter protein structure/function; Has not been previously published as pathogenic or benign to our knowledge